The following is an entry in ClinVar:

NM_006846.4(SPINK5):c.882+141A>G

Gene: SPINK5 (serine peptidase inhibitor Kazal type 5; plus strand). Cytogenetic location: 5q32.
Variant type: single nucleotide variant.
Coding change: c.882+141A>G on transcript NM_006846.4 (MANE Select); 141 bases into the intron after coding-DNA position 882, A replaced by G.
Molecular consequence: intron variant.
Genome position (GRCh38, 1-based): chr5:148,096,046, A>G. VCF-style: chr5-148096046-A-G. GRCh37 (hg19) VCF-style: chr5-147475609-A-G.
Other names: c.882+141A>G (NM_001127698.2, NM_001127699.2).
Identifiers: ClinVar variation 673296 (VCV000673296.1), dbSNP rs62388363, ClinGen allele CA15394120.
Genomic context (GRCh38, chr5:148,096,046, plus strand): 5'-GTATGCACTTTCAATATTGTTTAATATTTTCCACACTACTAGTAGGTTTGCTGGAAACTA[A>G]TTTCTAGTTATTATTTTGTGAAACTTAGATTAAAAAATTATGGCATTACAATTTCTAGCT-3'

ClinVar aggregate classification (germline): Benign (1 of 4 stars; one submission).

Allele frequency attached by ClinVar (database versions not stated): 1000 Genomes Project 30x 0.45112; 1000 Genomes Project 0.45208; gnomAD 0.45400 and 0.46285; TOPMed 0.46566; gnomAD exomes 0.49030.
gnomAD v4.1: 324,739 of 670,586 alleles (48%); highest among the groups gnomAD compares: Admixed American, 61%; 80,696 homozygotes.

Submission:

GeneDx
Classification: Benign. Last evaluated: 2018-06-14. Review status: criteria provided, single submitter. Criteria: GeneDx Variant Classification (06012015). Collection method: clinical testing. Allele origin: germline. Affected: yes.
Comment: This variant is considered likely benign or benign based on one or more of the following criteria: it is a conservative change, it occurs at a poorly conserved position in the protein, it is predicted to be benign by multiple in silico algorithms, and/or has population frequency not consistent with disease.